The following is an entry in ClinVar:

ClinVar aggregate classification (germline): Uncertain significance (1 of 4 stars; one submission).

Conditions:
Familial episodic pain syndrome with predominantly lower limb involvement. Also called: Episodic pain syndrome, familial, 3. Identifiers: Orphanet 391384, Orphanet 391392, MedGen C3809899, MONDO:0014247, OMIM 615552.
Hereditary sensory and autonomic neuropathy type 7. Also called: HSAN VII; Neuropathy, hereditary sensory and autonomic, type VII. Identifiers: Orphanet 391397, MedGen C3809882, MONDO:0014244, OMIM 615548.

Submission:

Labcorp Genetics (formerly Invitae), Labcorp
Classification: Uncertain significance for Familial episodic pain syndrome with predominantly lower limb involvement; Hereditary sensory and autonomic neuropathy type 7. Last evaluated: 2023-02-13. Review status: criteria provided, single submitter. Criteria: Invitae Variant Classification Sherloc (09022015). Collection method: clinical testing. Allele origin: germline.
Comment: This sequence change affects an acceptor splice site in intron 16 of the SCN11A gene. It is expected to disrupt RNA splicing. Variants that disrupt the donor or acceptor splice site typically lead to a loss of protein function (PMID: 16199547), however the current clinical and genetic evidence is not sufficient to establish whether loss-of-function variants in SCN11A cause disease. In summary, the available evidence is currently insufficient to determine the role of this variant in disease. Therefore, it has been classified as a Variant of Uncertain Significance. Algorithms developed to predict the effect of sequence changes on RNA splicing suggest that this variant may disrupt the consensus splice site. This variant has not been reported in the literature in individuals affected with SCN11A-related conditions. This variant is not present in population databases (gnomAD no frequency).

Literature cited by the submitters: PubMed 16199547.

NM_001349253.2(SCN11A):c.2950-1G>A

Gene: SCN11A (sodium voltage-gated channel alpha subunit 11; minus strand). Cytogenetic location: 3p22.2.
Variant type: single nucleotide variant.
Coding change: c.2950-1G>A on transcript NM_001349253.2 (MANE Select); the canonical splice acceptor site of the intron before coding-DNA position 2950, G replaced by A.
Molecular consequence: splice acceptor variant.
Genome position (GRCh38, 1-based): chr3:38,885,403, C>T on the plus strand (G>A on the coding strand, the complement: SCN11A is on the minus strand). VCF-style: chr3-38885403-C-T. GRCh37 (hg19) VCF-style: chr3-38926894-C-T.
Other names: c.2950-1G>A (NM_014139.3).
Identifiers: ClinVar variation 2928035 (VCV002928035.3), dbSNP rs2470541975, ClinGen allele CA352173925.